The following is an entry in ClinVar:

NM_152743.4(BRAT1):c.2009G>A (p.Arg670His)

Gene: BRAT1 (BRCA1 associated ATM activator 1; minus strand). Cytogenetic location: 7p22.3.
Variant type: single nucleotide variant.
Coding change: c.2009G>A on transcript NM_152743.4 (MANE Select); coding-DNA position 2009, G replaced by A.
Protein change: p.Arg670His; replaces arginine 670 with histidine.
Molecular consequence: missense variant. On other transcripts: non-coding transcript variant (1).
Genome position (GRCh38, 1-based): chr7:2,538,526, C>T on the plus strand (G>A on the coding strand, the complement: BRAT1 is on the minus strand). VCF-style: chr7-2538526-C-T. GRCh37 (hg19) VCF-style: chr7-2578160-C-T.
Other names: c.2189G>A, p.Arg730His (NM_001350626.2); c.1484G>A, p.Arg495His (NM_001350627.2); short protein forms R730H, R495H, R670H.
Identifiers: ClinVar variation 856586 (VCV000856586.48), dbSNP rs147119058, ClinGen allele CA4127483.
Genomic context (GRCh38, chr7:2,538,526, plus strand): 5'-TCGGTGAGTGGCTGGGCTGGGGCCACCTCGGGTAGGGCCACGGCATAGGGGCAGTGGGTA[C>T]GCGGCGGCCCCAAAGTCTGGCCCAGGAACACGAGGGCCAGCTCCAGGCCCTGGGCGCGGA-3'
Protein context (NP_689956.2, residues 660-680): VFLGQTLGPP[Arg670His]THCPYAVALP

ClinVar aggregate classification (germline): Conflicting classifications of pathogenicity. Review status: criteria provided, conflicting classifications (1 of 4 stars). 4 submissions from 4 submitters: Uncertain significance (2); Likely benign (2). Last evaluated 2026-01-17.

Conditions:
Inborn genetic diseases. Identifiers: MedGen C0950123, MeSH D030342.
Neonatal-onset encephalopathy with rigidity and seizures. Also called: Lethal neonatal spasticity-epileptic encephalopathy syndrome. Identifiers: Orphanet 435845, MedGen C3281029, MONDO:0013784, OMIM 614498.

Allele frequency attached by ClinVar (database versions not stated): gnomAD exomes 0.00009 and 0.00013; gnomAD 0.00011 and 0.00013; ExAC 0.00015; ESP Exome Variant Server 0.00015; 1000 Genomes Project 30x 0.00016; TOPMed 0.00016.
gnomAD v4.1: 151 of 1,606,358 alleles (0.0094%); highest among the groups gnomAD compares: South Asian, 0.031%; no homozygotes.

Submissions (4):

Labcorp Genetics (formerly Invitae), Labcorp
Classification: Likely benign for Neonatal-onset encephalopathy with rigidity and seizures. Last evaluated: 2026-01-17. Review status: criteria provided, single submitter. Criteria: Invitae Variant Classification Sherloc (09022015). Collection method: clinical testing. Allele origin: germline.

Ambry Genetics
Classification: Likely benign for Inborn genetic diseases. Last evaluated: 2025-03-07. Review status: criteria provided, single submitter. Criteria: Ambry Variant Classification Scheme 2023. Collection method: clinical testing. Allele origin: germline.

GeneDx
Classification: Uncertain significance. Last evaluated: 2022-12-14. Review status: criteria provided, single submitter. Criteria: GeneDx Variant Classification Process June 2021. Collection method: clinical testing. Allele origin: germline. Affected: yes.
Comment: In silico analysis supports that this missense variant does not alter protein structure/function; Has not been previously published as pathogenic or benign to our knowledge

CeGaT Center for Human Genetics Tuebingen
Classification: Uncertain significance. Last evaluated: 2021-11-01. Review status: criteria provided, single submitter. Criteria: CeGaT Center For Human Genetics Tuebingen Variant Classification Criteria Version 2. Collection method: clinical testing. Allele origin: germline. Affected: yes. Observed: 1 variant allele.